The following is an entry in ClinVar:

ClinVar aggregate classification (germline): Uncertain significance (1 of 4 stars; one submission).

Conditions:
Hereditary cancer-predisposing syndrome. Also called: Neoplastic Syndromes, Hereditary; Tumor predisposition; Hereditary neoplastic syndrome; Hereditary Cancer Syndrome. Identifiers: Orphanet 140162, MedGen C0027672, MeSH D009386, MONDO:0015356.

Submission:

Ambry Genetics
Classification: Uncertain significance for Hereditary cancer-predisposing syndrome. Last evaluated: 2025-04-12. Review status: criteria provided, single submitter. Criteria: Ambry Variant Classification Scheme 2023. Collection method: clinical testing. Allele origin: germline.
Comment: The p.E228D variant (also known as c.684A>T), located in coding exon 2 of the ALK gene, results from an A to T substitution at nucleotide position 684. The glutamic acid at codon 228 is replaced by aspartic acid, an amino acid with highly similar properties. This amino acid position is conserved. In addition, this alteration is predicted to be tolerated by in silico analysis. Based on the available evidence, the clinical significance of this variant remains unclear.

NM_004304.5(ALK):c.684A>T (p.Glu228Asp)

Gene: ALK (ALK receptor tyrosine kinase; minus strand). Cytogenetic location: 2p23.2.
Variant type: single nucleotide variant.
Coding change: c.684A>T on transcript NM_004304.5 (MANE Select); coding-DNA position 684, A replaced by T.
Protein change: p.Glu228Asp; replaces glutamic acid 228 with aspartic acid.
Molecular consequence: missense variant.
Genome position (GRCh38, 1-based): chr2:29,717,681, T>A on the plus strand (A>T on the coding strand, the complement: ALK is on the minus strand). VCF-style: chr2-29717681-T-A. GRCh37 (hg19) VCF-style: chr2-29940547-T-A.
Other names: short protein forms E228D.
Identifiers: ClinVar variation 4040638 (VCV004040638.1).
Genomic context (GRCh38, chr2:29,717,681, plus strand): 5'-TATCCAGGTGAGATTCCATGTAAAATAATCAGGAGAAGGAGAAGGCATGTTTGTTGGTGA[T>A]TCCAAGGAGCTATGACCTGGACATAAAAATAAAGAAAACACTGATCCATGTGCTTGGGGT-3'
Protein context (NP_004295.2, residues 218-238): QIFGTGHSSL[Glu228Asp]SPTNMPSPSP